The following is an entry in ClinVar:

NM_003114.5(SPAG1):c.1042G>A (p.Glu348Lys)

Gene: SPAG1 (sperm associated antigen 1; plus strand). Cytogenetic location: 8q22.2.
Variant type: single nucleotide variant.
Coding change: c.1042G>A on transcript NM_003114.5 (MANE Select); coding-DNA position 1042, G replaced by A.
Protein change: p.Glu348Lys; replaces glutamic acid 348 with lysine.
Molecular consequence: missense variant.
Genome position (GRCh38, 1-based): chr8:100,194,214, G>A. VCF-style: chr8-100194214-G-A. GRCh37 (hg19) VCF-style: chr8-101206442-G-A.
Other names: c.1042G>A, p.Glu348Lys (NM_001374321.1, NM_172218.3); short protein forms E348K.
Identifiers: ClinVar variation 410999 (VCV000410999.6), dbSNP rs1060503106, ClinGen allele CA16612184.

ClinVar aggregate classification (germline): Uncertain significance. Review status: criteria provided, multiple submitters, no conflicts (2 of 4 stars). 2 submissions from 2 submitters: Uncertain significance (2). Last evaluated 2025-01-10.

Conditions:
Primary ciliary dyskinesia 28. Also called: CILIARY DYSKINESIA, PRIMARY, 28, WITH OR WITHOUT SITUS INVERSUS. Identifiers: Orphanet 244, MedGen C3809706, MONDO:0014216, OMIM 615505.
Primary ciliary dyskinesia. Also called: Ciliary dyskinesia. Identifiers: Orphanet 244, MedGen C0008780, MONDO:0016575, HP:0012265.

Allele frequency attached by ClinVar (database versions not stated): TOPMed below 0.00001; gnomAD 0.00001; gnomAD exomes 0.00001 and below 0.00001.
gnomAD v4.1: 20 of 1,607,092 alleles (0.0012%); highest among the groups gnomAD compares: East Asian, 0.0022%; no homozygotes.

Submissions (2):

Ambry Genetics
Classification: Uncertain significance for Primary ciliary dyskinesia. Last evaluated: 2025-01-10. Review status: criteria provided, single submitter. Criteria: Ambry Variant Classification Scheme 2023. Collection method: clinical testing. Allele origin: germline.

Labcorp Genetics (formerly Invitae), Labcorp
Classification: Uncertain significance for Primary ciliary dyskinesia 28. Last evaluated: 2023-04-05. Review status: criteria provided, single submitter. Criteria: Invitae Variant Classification Sherloc (09022015). Collection method: clinical testing. Allele origin: germline.
Comment: This sequence change replaces glutamic acid, which is acidic and polar, with lysine, which is basic and polar, at codon 348 of the SPAG1 protein (p.Glu348Lys). The frequency data for this variant in the population databases is considered unreliable, as metrics indicate poor data quality at this position in the gnomAD database. This variant has not been reported in the literature in individuals affected with SPAG1-related conditions. ClinVar contains an entry for this variant (Variation ID: 410999). Advanced modeling of protein sequence and biophysical properties (such as structural, functional, and spatial information, amino acid conservation, physicochemical variation, residue mobility, and thermodynamic stability) performed at Invitae indicates that this missense variant is not expected to disrupt SPAG1 protein function. In summary, the available evidence is currently insufficient to determine the role of this variant in disease. Therefore, it has been classified as a Variant of Uncertain Significance.